The following is an entry in ClinVar:

NM_138701.4(MPLKIP):c.169del (p.Arg57fs)

Genes: MPLKIP (M-phase specific PLK1 interacting protein; minus strand), LOC129998295 (ATAC-STARR-seq lymphoblastoid silent region 18117; plus strand). Cytogenetic location: 7p14.1.
Variant type: Deletion.
Coding change: c.169del on transcript NM_138701.4 (MANE Select); coding-DNA position 169, one base deleted (C; older notation c.169delC).
Protein change: p.Arg57fs; shifts the reading frame from arginine 57.
Molecular consequence: frameshift variant.
Genome position (GRCh38, 1-based): chr7:40,134,399, G deleted on the plus strand (C on the coding strand, the reverse complement: MPLKIP is on the minus strand); the first of 4 consecutive G bases (chr7:40,134,399-40,134,402); deleting any one gives the same sequence. VCF-style (leftmost placement, unchanged base first): chr7-40134398-CG-C. GRCh37 (hg19) VCF-style: chr7-40173997-CG-C.
Other names: short protein forms R57fs.
Identifiers: ClinVar variation 4715703 (VCV004715703.1).

ClinVar aggregate classification (germline): Pathogenic (1 of 4 stars; one submission).

Submission:

Labcorp Genetics (formerly Invitae), Labcorp
Classification: Pathogenic. Last evaluated: 2025-03-22. Review status: criteria provided, single submitter. Criteria: Invitae Variant Classification Sherloc (09022015). Collection method: clinical testing. Allele origin: germline.
Comment: This sequence change creates a premature translational stop signal (p.Arg57Glyfs*96) in the MPLKIP gene. While this is not anticipated to result in nonsense mediated decay, it is expected to disrupt the last 123 amino acid(s) of the MPLKIP protein. This variant is not present in population databases (gnomAD no frequency). This variant has not been reported in the literature in individuals affected with MPLKIP-related conditions. This variant disrupts a region of the MPLKIP protein in which other variant(s) (p.Met144Val) have been determined to be pathogenic (PMID: 15645389). This suggests that this is a clinically significant region of the protein, and that variants that disrupt it are likely to be disease-causing. For these reasons, this variant has been classified as Pathogenic.

Literature cited by the submitters: PubMed 15645389.